The following is an entry in ClinVar:

NM_001164508.2(NEB):c.2944-9G>A

Gene: NEB (nebulin; minus strand). Cytogenetic location: 2q23.3.
Variant type: single nucleotide variant.
Coding change: c.2944-9G>A on transcript NM_001164508.2 (MANE Select); 9 bases into the intron before coding-DNA position 2944, G replaced by A.
Molecular consequence: intron variant.
Genome position (GRCh38, 1-based): chr2:151,680,837, C>T on the plus strand (G>A on the coding strand, the complement: NEB is on the minus strand). VCF-style: chr2-151680837-C-T. GRCh37 (hg19) VCF-style: chr2-152537351-C-T.
Other names: p.?; c.2944-9G>A (NM_001164507.2, NM_001271208.2, NM_004543.5).
Identifiers: ClinVar variation 129738 (VCV000129738.31), dbSNP rs13427102, ClinGen allele CA153980.

ClinVar aggregate classification (germline): Benign. Review status: criteria provided, multiple submitters, no conflicts (2 of 4 stars). 14 submissions from 13 submitters: Benign (12). 2 of the submissions do not count toward it. Last evaluated 2026-02-04.

Conditions:
Nemaline myopathy 2 (NEM2). Also called: Nemaline myopathy 2, autosomal recessive. Identifiers: MedGen C1850569, MONDO:0009725, OMIM 256030.
Arthrogryposis multiplex congenita 6. Identifiers: MedGen C5543431, MONDO:0030281, OMIM 619334.

Allele frequency attached by ClinVar (database versions not stated): gnomAD exomes 0.07063 and 0.07552; ExAC 0.07423; 1000 Genomes Project 0.09505; 1000 Genomes Project 30x 0.09853; gnomAD 0.09971 and 0.10205; TOPMed 0.10489; ESP Exome Variant Server 0.10851.
gnomAD v4.1: 124,282 of 1,592,550 alleles (7.8%); highest among the groups gnomAD compares: African/African-American, 18%; 5,549 homozygotes.

Submissions (14):

Labcorp Genetics (formerly Invitae), Labcorp
Classification: Benign for Nemaline myopathy 2. Last evaluated: 2026-02-04. Review status: criteria provided, single submitter. Criteria: Invitae Variant Classification Sherloc (09022015). Collection method: clinical testing. Allele origin: germline.

Blueprint Genetics
Classification: Benign. Last evaluated: 2024-11-26. Review status: criteria provided, single submitter. Criteria: ACMG Guidelines, 2015. Collection method: clinical testing. Allele origin: germline.

Athena Diagnostics
Classification: Benign. Last evaluated: 2024-08-05. Review status: criteria provided, single submitter. Criteria: Athena Diagnostics Criteria. Collection method: clinical testing. Allele origin: unknown.

Genome-Nilou Lab
Classification: Benign for Arthrogryposis multiplex congenita 6. Last evaluated: 2021-07-10. Review status: criteria provided, single submitter. Criteria: ACMG Guidelines, 2015. Collection method: clinical testing. Allele origin: germline. Affected: no.

Genome-Nilou Lab
Classification: Benign for Nemaline myopathy 2. Last evaluated: 2021-07-10. Review status: criteria provided, single submitter. Criteria: ACMG Guidelines, 2015. Collection method: clinical testing. Allele origin: germline. Affected: no.

Illumina Laboratory Services, Illumina
Classification: Benign for Nemaline myopathy 2. Last evaluated: 2018-01-12. Review status: criteria provided, single submitter. Criteria: ICSL Variant Classification Criteria 13 December 2019. Collection method: clinical testing. Allele origin: germline.
Comment: This variant was observed in the ICSL laboratory as part of a predisposition screen in an ostensibly healthy population. It had not been previously curated by ICSL or reported in the Human Gene Mutation Database (HGMD: prior to June 1st, 2018), and was therefore a candidate for classification through an automated scoring system. Utilizing variant allele frequency, disease prevalence and penetrance estimates, and inheritance mode, an automated score was calculated to assess if this variant is too frequent to cause the disease. Based on the score and internal cut-off values, a variant classified as benign is not then subjected to further curation. The score for this variant resulted in a classification of benign for this disease.

Mayo Clinic Laboratories, Mayo Clinic
Classification: Benign. Last evaluated: 2017-10-04. Review status: criteria provided, single submitter. Criteria: ACMG Guidelines, 2015. Collection method: clinical testing. Allele origin: germline. Observed: 81 variant alleles.

Women's Health and Genetics/Laboratory Corporation of America, LabCorp
Classification: Benign. Last evaluated: 2017-02-27. Review status: criteria provided, single submitter. Criteria: LabCorp Variant Classification Summary - May 2015. Collection method: clinical testing. Allele origin: germline.
Comment: Variant summary: The NEB c.2944-9G>A variant involves the alteration of a non-conserved intronic nucleotide. One in silico tool predicts a benign outcome for this variant. 5/5 splice prediction tools predict no significant impact on normal splicing. This variant was found in 8961/120726 control chromosomes (433 homozygotes) at a frequency of 0.0742259, which is approximately 21 times the estimated maximal expected allele frequency of a pathogenic NEB variant (0.0035355), evidence that this variant is a benign polymorphism. In addition, multiple clinical diagnostic laboratories/reputable databases classified this variant as benign/likely benign. The variant of interest has not, to our knowledge, been reported in affected individuals via publications and/or reputable databases/clinical diagnostic laboratories; nor evaluated for functional impact by in vivo/vitro studies. Taken together, this variant is classified as benign.

GeneDx
Classification: Benign. Last evaluated: 2016-01-05. Review status: criteria provided, single submitter. Criteria: GeneDx Variant Classification (06012015). Collection method: clinical testing. Allele origin: germline. Affected: yes.
Comment: This variant is considered likely benign or benign based on one or more of the following criteria: it is a conservative change, it occurs at a poorly conserved position in the protein, it is predicted to be benign by multiple in silico algorithms, and/or has population frequency not consistent with disease.

Laboratory for Molecular Medicine, Mass General Brigham Personalized Medicine
Classification: Benign. Last evaluated: 2015-01-13. Review status: criteria provided, single submitter. Criteria: LMM Criteria. Collection method: clinical testing. Allele origin: germline. Observed: 1 variant allele.
Comment: c.2944-9G>A in intron 29 of NEB: This variant is not expected to have clinical s ignificance because it has been identified in 16.9% (626/3704) of African Americ an chromosomes from a broad population by the NHLBI Exome Sequencing Project (dbSNP rs13427102).

Breakthrough Genomics
Classification: Benign. Review status: criteria provided, single submitter. Criteria: ACMG Guidelines, 2015. Collection method: not provided. Allele origin: germline. Inheritance: Autosomal recessive inheritance. Affected: yes.

PreventionGenetics, part of Exact Sciences
Classification: Benign. Review status: criteria provided, single submitter. Criteria: ACMG Guidelines, 2015. Collection method: clinical testing. Allele origin: germline.

Natera, Inc.
Classification: Benign for Nemaline myopathy type 2. Last evaluated: 2020-09-16. Review status: no assertion criteria provided. Collection method: clinical testing. Allele origin: germline. Not counted in ClinVar's aggregate classification.

Genetic Services Laboratory, University of Chicago
Classification: Likely benign for AllHighlyPenetrant. Review status: no assertion criteria provided. Collection method: clinical testing. Allele origin: germline. Inheritance: Autosomal recessive inheritance. Not counted in ClinVar's aggregate classification.
Comment: Likely benign based on allele frequency in 1000 Genomes Project or ESP global frequency and its presence in a patient with a rare or unrelated disease phenotype. NOT Sanger confirmed.